The following is an entry in ClinVar:

NM_203486.3(DLL3):c.342C>T (p.Asp114=)

Gene: DLL3 (delta like canonical Notch ligand 3; plus strand). Cytogenetic location: 19q13.2.
Variant type: single nucleotide variant.
Coding change: c.342C>T on transcript NM_203486.3 (MANE Select); coding-DNA position 342, C replaced by T.
Protein change: p.Asp114=; no amino-acid change (aspartic acid 114 retained).
Molecular consequence: synonymous variant.
Genome position (GRCh38, 1-based): chr19:39,499,464, C>T. VCF-style: chr19-39499464-C-T. GRCh37 (hg19) VCF-style: chr19-39990104-C-T.
Other names: c.342C>T, p.Asp114= (NM_016941.4).
Identifiers: ClinVar variation 724020 (VCV000724020.11), dbSNP rs186303509, ClinGen allele CA9432160.

ClinVar aggregate classification (germline): Likely benign. Review status: criteria provided, single submitter (1 of 4 stars). 2 submissions from 2 submitters: Likely benign (1). 1 of the submissions does not count toward it. Last evaluated 2025-10-06.

Conditions:
DLL3-related disorder. Also called: DLL3-related condition.

Allele frequency attached by ClinVar (database versions not stated): gnomAD exomes 0.00013 and 0.00003; TOPMed 0.00014; 1000 Genomes Project 30x 0.00016; gnomAD 0.00019; 1000 Genomes Project 0.00020; ExAC 0.00008; ESP Exome Variant Server 0.00008.
gnomAD v4.1: 78 of 1,590,030 alleles (0.0049%); highest among the groups gnomAD compares: Admixed American, 0.092%; no homozygotes.

Submissions (2):

Labcorp Genetics (formerly Invitae), Labcorp
Classification: Likely benign. Last evaluated: 2025-10-06. Review status: criteria provided, single submitter. Criteria: Invitae Variant Classification Sherloc (09022015). Collection method: clinical testing. Allele origin: germline.

PreventionGenetics, part of Exact Sciences
Classification: Likely benign for DLL3-related condition. Last evaluated: 2019-07-01. Review status: no assertion criteria provided. Collection method: clinical testing. Allele origin: germline. Not counted in ClinVar's aggregate classification.
Comment: This variant is classified as likely benign based on ACMG/AMP sequence variant interpretation guidelines (Richards et al. 2015 PMID: 25741868, with internal and published modifications).